The following is an entry in ClinVar:

ClinVar aggregate classification (germline): Uncertain significance (1 of 4 stars; one submission).

Allele frequency attached by ClinVar (database versions not stated): gnomAD 0.00001.
gnomAD v4.1: 3 of 1,614,042 alleles (0.00019%); highest among the groups gnomAD compares: Non-Finnish European, 0.00025%; no homozygotes.

Submission:

CeGaT Center for Human Genetics Tuebingen
Classification: Uncertain significance. Last evaluated: 2022-03-01. Review status: criteria provided, single submitter. Criteria: CeGaT Center For Human Genetics Tuebingen Variant Classification Criteria Version 2. Collection method: clinical testing. Allele origin: germline. Affected: yes. Observed: 1 variant allele.
Comment: BPTF: PM2, BP4

NM_182641.4(BPTF):c.3560A>T (p.Asn1187Ile)

Gene: BPTF (bromodomain PHD finger transcription factor; plus strand). Cytogenetic location: 17q24.2.
Variant type: single nucleotide variant.
Coding change: c.3560A>T on transcript NM_182641.4 (MANE Select); coding-DNA position 3560, A replaced by T.
Protein change: p.Asn1187Ile; replaces asparagine 1187 with isoleucine.
Molecular consequence: missense variant.
Genome position (GRCh38, 1-based): chr17:67,911,444, A>T. VCF-style: chr17-67911444-A-T. GRCh37 (hg19) VCF-style: chr17-65907560-A-T.
Other names: c.3938A>T, p.Asn1313Ile (NM_004459.7); short protein forms N1187I, N1313I.
Identifiers: ClinVar variation 1675689 (VCV001675689.33), dbSNP rs779260084, ClinGen allele CA400726810.